The following is an entry in ClinVar:

ClinVar aggregate classification (germline): Uncertain significance (1 of 4 stars; one submission).

Submission:

Women's Health and Genetics/Laboratory Corporation of America, LabCorp
Classification: Uncertain significance. Last evaluated: 2026-01-14. Review status: criteria provided, single submitter. Criteria: LabCorp Variant Classification Summary - May 2015. Collection method: clinical testing. Allele origin: germline.
Comment: Variant summary: ASL c.706C>G (p.Arg236Gly) results in a non-conservative amino acid change in the encoded protein sequence. Algorithms developed to predict the effect of missense changes on protein structure and function all suggest that this variant is likely to be disruptive. The variant was absent in 251328 control chromosomes. To our knowledge, no occurrence of c.706C>G in individuals affected with ASL-related conditions and no experimental evidence demonstrating its impact on protein function have been reported. At least 2 different variants affecting the same codon have been classified as likely pathogenic/pathogenic at Labcorp (c.706C>T, p.Arg236Trp and c.707G>A p.Arg236Gln), supporting the critical relevance of codon 236 to ASL protein function. No submitters have cited clinical-significance assessments for this variant to ClinVar. Based on the evidence outlined above, the variant was classified as VUS-possibly pathogenic.

NM_000048.4(ASL):c.706C>G (p.Arg236Gly)

Gene: ASL (argininosuccinate lyase; plus strand). Cytogenetic location: 7q11.21.
Variant type: single nucleotide variant.
Coding change: c.706C>G on transcript NM_000048.4 (MANE Select); coding-DNA position 706, C replaced by G.
Protein change: p.Arg236Gly; replaces arginine 236 with glycine.
Molecular consequence: missense variant.
Genome position (GRCh38, 1-based): chr7:66,087,779, C>G. VCF-style: chr7-66087779-C-G. GRCh37 (hg19) VCF-style: chr7-65552766-C-G.
Other names: c.706C>G, p.Arg236Gly (NM_001024943.2, NM_001024944.2); c.628C>G, p.Arg210Gly (NM_001024946.2); short protein forms R210G, R236G.
Identifiers: ClinVar variation 4689378 (VCV004689378.1).